The following is an entry in ClinVar:

ClinVar aggregate classification (germline): Uncertain significance. Review status: criteria provided, multiple submitters, no conflicts (2 of 4 stars). 3 submissions from 3 submitters: Uncertain significance (3). Last evaluated 2025-04-01.

Conditions:
Inborn genetic diseases. Identifiers: MedGen C0950123, MeSH D030342.
Leber congenital amaurosis 6 (LCA6). Identifiers: Orphanet 65, MedGen C1854260, MONDO:0013446, OMIM 613826.
Cone-rod dystrophy 13 (CORD13). Identifiers: Orphanet 1872, MedGen C2750720, MONDO:0011987, OMIM 608194.

Allele frequency attached by ClinVar (database versions not stated): ExAC 0.00001; gnomAD 0.00001; TOPMed 0.00002; gnomAD exomes 0.00004.
gnomAD v4.1: 53 of 1,613,550 alleles (0.0033%); highest among the groups gnomAD compares: Non-Finnish European, 0.0043%; no homozygotes.

Submissions (3):

Ambry Genetics
Classification: Uncertain significance for Inborn genetic diseases. Last evaluated: 2025-04-01. Review status: criteria provided, single submitter. Criteria: Ambry Variant Classification Scheme 2023. Collection method: clinical testing. Allele origin: germline.

Labcorp Genetics (formerly Invitae), Labcorp
Classification: Uncertain significance for Leber congenital amaurosis 6; Cone-rod dystrophy 13. Last evaluated: 2024-04-17. Review status: criteria provided, single submitter. Criteria: Invitae Variant Classification Sherloc (09022015). Collection method: clinical testing. Allele origin: germline.
Comment: This sequence change replaces histidine, which is basic and polar, with aspartic acid, which is acidic and polar, at codon 873 of the RPGRIP1 protein (p.His873Asp). This variant is present in population databases (rs753100862, gnomAD 0.004%). This variant has not been reported in the literature in individuals affected with RPGRIP1-related conditions. ClinVar contains an entry for this variant (Variation ID: 2199754). Advanced modeling of protein sequence and biophysical properties (such as structural, functional, and spatial information, amino acid conservation, physicochemical variation, residue mobility, and thermodynamic stability) performed at Invitae indicates that this missense variant is not expected to disrupt RPGRIP1 protein function with a negative predictive value of 80%. In summary, the available evidence is currently insufficient to determine the role of this variant in disease. Therefore, it has been classified as a Variant of Uncertain Significance.

Blueprint Genetics
Classification: Uncertain significance. Last evaluated: 2022-09-26. Review status: criteria provided, single submitter. Criteria: ACMG Guidelines, 2015. Collection method: clinical testing. Allele origin: germline.

NM_020366.4(RPGRIP1):c.2617C>G (p.His873Asp)

Gene: RPGRIP1 (RPGR interacting protein 1; plus strand). Cytogenetic location: 14q11.2.
Variant type: single nucleotide variant.
Coding change: c.2617C>G on transcript NM_020366.4 (MANE Select); coding-DNA position 2617, C replaced by G.
Protein change: p.His873Asp; replaces histidine 873 with aspartic acid.
Molecular consequence: missense variant. On other transcripts: intron variant (4).
Genome position (GRCh38, 1-based): chr14:21,326,080, C>G. VCF-style: chr14-21326080-C-G. GRCh37 (hg19) VCF-style: chr14-21794239-C-G.
Other names: c.1543C>G, p.His515Asp (NM_001377948.1); c.796+1355C>G (NM_001377949.1); c.689-1543C>G (NM_001377523.1, NM_001377950.1); c.191-1543C>G (NM_001377951.1); c.2617C>G (NM_020366.3); short protein forms H873D, H515D.
Identifiers: ClinVar variation 2199754 (VCV002199754.5), dbSNP rs753100862, ClinGen allele CA7089303.